The following is an entry in ClinVar:

NM_002693.3(POLG):c.1757C>T (p.Thr586Ile)

Gene: POLG (DNA polymerase gamma, catalytic subunit; minus strand). Cytogenetic location: 15q26.1.
Variant type: single nucleotide variant.
Coding change: c.1757C>T on transcript NM_002693.3 (MANE Select); coding-DNA position 1757, C replaced by T.
Protein change: p.Thr586Ile; replaces threonine 586 with isoleucine.
Molecular consequence: missense variant.
Genome position (GRCh38, 1-based): chr15:89,325,642, G>A on the plus strand (C>T on the coding strand, the complement: POLG is on the minus strand). VCF-style: chr15-89325642-G-A. GRCh37 (hg19) VCF-style: chr15-89868873-G-A.
Other names: c.1757C>T, p.Thr586Ile (NM_001126131.2); short protein forms T586I.
Identifiers: ClinVar variation 1779492 (VCV001779492.7), dbSNP rs949432691, ClinGen allele CA274554551.

ClinVar aggregate classification (germline): Uncertain significance. Review status: criteria provided, multiple submitters, no conflicts (2 of 4 stars). 2 submissions from 2 submitters: Uncertain significance (2). Last evaluated 2025-03-10.

Conditions:
Progressive sclerosing poliodystrophy (MTDPS4A). Also called: Alpers-Huttenlocher Syndrome; Mitochondrial DNA Depletion Syndrome 4A; ALPERS PROGRESSIVE INFANTILE POLIODYSTROPHY; NEURONAL DEGENERATION OF CHILDHOOD WITH LIVER DISEASE, PROGRESSIVE; Alpers-Huttenlocher Syndrome (AHS); Alpers Syndrome. Identifiers: Orphanet 726, MedGen C0205710, MONDO:0008758, OMIM 203700.
Inborn genetic diseases. Identifiers: MedGen C0950123, MeSH D030342.

Allele frequency attached by ClinVar (database versions not stated): gnomAD 0.00001; gnomAD exomes 0.00002; TOPMed 0.00002.
gnomAD v4.1: 11 of 1,612,258 alleles (0.00068%); highest among the groups gnomAD compares: South Asian, 0.0055%; no homozygotes.

Submissions (2):

Labcorp Genetics (formerly Invitae), Labcorp
Classification: Uncertain significance for Progressive sclerosing poliodystrophy. Last evaluated: 2025-03-10. Review status: criteria provided, single submitter. Criteria: Invitae Variant Classification Sherloc (09022015). Collection method: clinical testing. Allele origin: germline.
Comment: This sequence change replaces threonine, which is neutral and polar, with isoleucine, which is neutral and non-polar, at codon 586 of the POLG protein (p.Thr586Ile). This variant is present in population databases (no rsID available, gnomAD 0.003%). This variant has not been reported in the literature in individuals affected with POLG-related conditions. ClinVar contains an entry for this variant (Variation ID: 1779492). Invitae Evidence Modeling of protein sequence and biophysical properties (such as structural, functional, and spatial information, amino acid conservation, physicochemical variation, residue mobility, and thermodynamic stability) indicates that this missense variant is not expected to disrupt POLG protein function with a negative predictive value of 95%. In summary, the available evidence is currently insufficient to determine the role of this variant in disease. Therefore, it has been classified as a Variant of Uncertain Significance.

Ambry Genetics
Classification: Uncertain significance for Inborn genetic diseases. Last evaluated: 2018-08-03. Review status: criteria provided, single submitter. Criteria: Ambry Variant Classification Scheme 2023. Collection method: clinical testing. Allele origin: germline.
Comment: The p.T586I variant (also known as c.1757C>T), located in coding exon 9 of the POLG gene, results from a C to T substitution at nucleotide position 1757. The threonine at codon 586 is replaced by isoleucine, an amino acid with some similar properties. This amino acid position is poorly conserved in available vertebrate species. In addition, this alteration is predicted to be tolerated by in silico analysis. Since supporting evidence is limited at this time, the clinical significance of this alteration remains unclear.